The following is an entry in ClinVar:

ClinVar aggregate classification (germline): Uncertain significance (1 of 4 stars; one submission).

Conditions:
Cardiovascular phenotype. Identifiers: MedGen CN230736.

Submission:

Ambry Genetics
Classification: Uncertain significance for Cardiovascular phenotype. Last evaluated: 2025-02-12. Review status: criteria provided, single submitter. Criteria: Ambry Variant Classification Scheme 2023. Collection method: clinical testing. Allele origin: germline.
Comment: The p.G801D variant (also known as c.2402G>A), located in coding exon 15 of the CBL gene, results from a G to A substitution at nucleotide position 2402. The glycine at codon 801 is replaced by aspartic acid, an amino acid with similar properties. This amino acid position is conserved. In addition, this alteration is predicted to be tolerated by in silico analysis. Based on the available evidence, the clinical significance of this variant remains unclear.

NM_005188.4(CBL):c.2402G>A (p.Gly801Asp)

Gene: CBL (Cbl proto-oncogene; plus strand). Cytogenetic location: 11q23.3.
Variant type: single nucleotide variant.
Coding change: c.2402G>A on transcript NM_005188.4 (MANE Select); coding-DNA position 2402, G replaced by A.
Protein change: p.Gly801Asp; replaces glycine 801 with aspartic acid.
Molecular consequence: missense variant.
Genome position (GRCh38, 1-based): chr11:119,298,508, G>A. VCF-style: chr11-119298508-G-A. GRCh37 (hg19) VCF-style: chr11-119169218-G-A.
Other names: short protein forms G801D.
Identifiers: ClinVar variation 3827846 (VCV003827846.1).